The following is an entry in ClinVar:

NM_002875.5(RAD51):c.432C>G (p.Cys144Trp)

Gene: RAD51 (RAD51 recombinase; plus strand). Cytogenetic location: 15q15.1.
Variant type: single nucleotide variant.
Coding change: c.432C>G on transcript NM_002875.5 (MANE Select); coding-DNA position 432, C replaced by G.
Protein change: p.Cys144Trp; replaces cysteine 144 with tryptophan.
Molecular consequence: missense variant.
Genome position (GRCh38, 1-based): chr15:40,709,113, C>G. VCF-style: chr15-40709113-C-G. GRCh37 (hg19) VCF-style: chr15-41001311-C-G.
Other names: c.435C>G, p.Cys145Trp (NM_001164269.2, NM_133487.4); c.432C>G, p.Cys144Trp (NM_001164270.2); short protein forms C144W, C145W.
Identifiers: ClinVar variation 4084397 (VCV004084397.8).

ClinVar aggregate classification (germline): Uncertain significance (1 of 4 stars; one submission).

Submission:

CeGaT Center for Human Genetics Tuebingen
Classification: Uncertain significance. Last evaluated: 2025-06-01. Review status: criteria provided, single submitter. Criteria: CeGaT Center For Human Genetics Tuebingen Variant Classification Criteria Version 2. Collection method: clinical testing. Allele origin: germline. Affected: yes. Observed: 1 variant allele.
Comment: RAD51: PM2, PP2